The following is an entry in ClinVar:

NM_001145809.2(MYH14):c.5271G>A (p.Ser1757=)

Gene: MYH14 (myosin heavy chain 14; plus strand). Cytogenetic location: 19q13.33.
Variant type: single nucleotide variant.
Coding change: c.5271G>A on transcript NM_001145809.2 (MANE Select); coding-DNA position 5271, G replaced by A.
Protein change: p.Ser1757=; no amino-acid change (serine 1757 retained).
Molecular consequence: synonymous variant.
Genome position (GRCh38, 1-based): chr19:50,293,247, G>A. VCF-style: chr19-50293247-G-A. GRCh37 (hg19) VCF-style: chr19-50796504-G-A.
Other names: c.5172G>A, p.Ser1724= (NM_001077186.2); c.5148G>A, p.Ser1716= (NM_024729.4).
Identifiers: ClinVar variation 44074 (VCV000044074.4), dbSNP rs397516630, ClinGen allele CA133506.

ClinVar aggregate classification (germline): Uncertain significance (1 of 4 stars; one submission).

Allele frequency attached by ClinVar (database versions not stated): TOPMed 0.00002; gnomAD exomes below 0.00001; gnomAD 0.00003 and 0.00002; ExAC below 0.00001.
gnomAD v4.1: 11 of 1,606,934 alleles (0.00068%); highest among the groups gnomAD compares: Middle Eastern, 0.016%; no homozygotes.

Submission:

Laboratory for Molecular Medicine, Mass General Brigham Personalized Medicine
Classification: Uncertain significance. Last evaluated: 2013-02-18. Review status: criteria provided, single submitter. Criteria: LMM Criteria. Collection method: clinical testing. Allele origin: germline. Observed: 3 variant alleles.
Comment: The Ser1757Ser variant in MYH14 has not been reported in the literature nor prev iously identified by our laboratory. The G to A substitution causes a sequence c hange 15 bases into the exon that could create an alternate 3?splice site leadin g to an out of frame deletion. Experimental evidence would be needed to evaluate this possibility. In summary, the clinical significance of these variants canno t be determined with certainty.